The following is an entry in ClinVar:

ClinVar aggregate classification (germline): Uncertain significance. Review status: criteria provided, multiple submitters, no conflicts (2 of 4 stars). 2 submissions from 2 submitters: Uncertain significance (2). Last evaluated 2021-12-15.

Conditions:
Proteinuria, chronic benign. Identifiers: MedGen C5394384, MONDO:0030042, OMIM 618884.
Imerslund-Grasbeck syndrome type 1 (IGS1). Also called: Imerslund-Gräsbeck syndrome 1; Megaloblastic anemia 1, Finnish type; MEGALOBLASTIC ANEMIA, 1. Identifiers: MedGen C4016819, MONDO:0100156, OMIM 261100.
Imerslund-Grasbeck syndrome. Also called: PERNICIOUS ANEMIA, JUVENILE, DUE TO SELECTIVE INTESTINAL MALABSORPTION OF VITAMIN B12, WITH PROTEINURIA; Megaloblastic anemia due to inborn errors of metabolism; ENTEROCYTE COBALAMIN MALABSORPTION; ENTEROCYTE INTRINSIC FACTOR RECEPTOR, DEFECT OF; Imerslund-Gräsbeck syndrome. Identifiers: Orphanet 35858, MedGen C4551825, MONDO:0009853.

Allele frequency attached by ClinVar (database versions not stated): gnomAD exomes below 0.00001; TOPMed below 0.00001.
gnomAD v4.1: 1 of 1,613,418 alleles (0.000062%); highest among the groups gnomAD compares: Admixed American, 0.0017%; no homozygotes.

Submissions (2):

Fulgent Genetics
Classification: Uncertain significance for Imerslund-Grasbeck syndrome type 1; Proteinuria, chronic benign. Last evaluated: 2021-12-15. Review status: criteria provided, single submitter. Criteria: ACMG Guidelines, 2015. Collection method: clinical testing. Allele origin: unknown.

Labcorp Genetics (formerly Invitae), Labcorp
Classification: Uncertain significance for Imerslund-Grasbeck syndrome. Last evaluated: 2021-10-18. Review status: criteria provided, single submitter. Criteria: Invitae Variant Classification Sherloc (09022015). Collection method: clinical testing. Allele origin: germline.
Comment: This sequence change replaces isoleucine with valine at codon 1310 of the CUBN protein (p.Ile1310Val). The isoleucine residue is highly conserved and there is a small physicochemical difference between isoleucine and valine. This variant is not present in population databases (ExAC no frequency). This variant has not been reported in the literature in individuals affected with CUBN-related conditions. Algorithms developed to predict the effect of missense changes on protein structure and function (SIFT, PolyPhen-2, Align-GVGD) all suggest that this variant is likely to be disruptive. In summary, the available evidence is currently insufficient to determine the role of this variant in disease. Therefore, it has been classified as a Variant of Uncertain Significance.

NM_001081.4(CUBN):c.3928A>G (p.Ile1310Val)

Gene: CUBN (cubilin; minus strand). Cytogenetic location: 10p13.
Variant type: single nucleotide variant.
Coding change: c.3928A>G on transcript NM_001081.4 (MANE Select); coding-DNA position 3928, A replaced by G.
Protein change: p.Ile1310Val; replaces isoleucine 1310 with valine.
Molecular consequence: missense variant.
Genome position (GRCh38, 1-based): chr10:17,041,122, T>C on the plus strand (A>G on the coding strand, the complement: CUBN is on the minus strand). VCF-style: chr10-17041122-T-C. GRCh37 (hg19) VCF-style: chr10-17083121-T-C.
Other names: short protein forms I1310V.
Identifiers: ClinVar variation 1416251 (VCV001416251.4), dbSNP rs1325181765, ClinGen allele CA376146410.